The following is an entry in ClinVar:

NM_001134363.3(RBM20):c.767C>T (p.Ser256Leu)

Gene: RBM20 (RNA binding motif protein 20; plus strand). Cytogenetic location: 10q25.2.
Variant type: single nucleotide variant.
Coding change: c.767C>T on transcript NM_001134363.3 (MANE Select); coding-DNA position 767, C replaced by T.
Protein change: p.Ser256Leu; replaces serine 256 with leucine.
Molecular consequence: missense variant.
Genome position (GRCh38, 1-based): chr10:110,781,376, C>T. VCF-style: chr10-110781376-C-T. GRCh37 (hg19) VCF-style: chr10-112541134-C-T.
Other names: short protein forms S256L.
Identifiers: ClinVar variation 1760101 (VCV001760101.2), dbSNP rs2493411618, ClinGen allele CA378383031.

ClinVar aggregate classification (germline): Uncertain significance (1 of 4 stars; one submission).

Conditions:
Cardiovascular phenotype. Identifiers: MedGen CN230736.

Submission:

Ambry Genetics
Classification: Uncertain significance for Cardiovascular phenotype. Last evaluated: 2022-02-10. Review status: criteria provided, single submitter. Criteria: Ambry Variant Classification Scheme 2023. Collection method: clinical testing. Allele origin: germline.
Comment: The p.S256L variant (also known as c.767C>T), located in coding exon 2 of the RBM20 gene, results from a C to T substitution at nucleotide position 767. The serine at codon 256 is replaced by leucine, an amino acid with dissimilar properties. This amino acid position is conserved. In addition, this alteration is predicted to be tolerated by in silico analysis. Since supporting evidence is limited at this time, the clinical significance of this alteration remains unclear.